The following is an entry in ClinVar:

NM_000302.4(PLOD1):c.2054A>G (p.Tyr685Cys)

Gene: PLOD1 (procollagen-lysine,2-oxoglutarate 5-dioxygenase 1; plus strand). Cytogenetic location: 1p36.22.
Variant type: single nucleotide variant.
Coding change: c.2054A>G on transcript NM_000302.4 (MANE Select); coding-DNA position 2054, A replaced by G.
Protein change: p.Tyr685Cys; replaces tyrosine 685 with cysteine.
Molecular consequence: missense variant.
Genome position (GRCh38, 1-based): chr1:11,974,678, A>G. VCF-style: chr1-11974678-A-G. GRCh37 (hg19) VCF-style: chr1-12034735-A-G.
Other names: c.2195A>G, p.Tyr732Cys (NM_001316320.2); short protein forms Y685C, Y732C.
Identifiers: ClinVar variation 3376458 (VCV003376458.1).

ClinVar aggregate classification (germline): Uncertain significance (1 of 4 stars; one submission).

Conditions:
Ehlers-Danlos syndrome, kyphoscoliotic type 1 (EDSKSCL1). Also called: PLOD1-Related Kyphoscoliotic Ehlers-Danlos Syndrome; EHLERS-DANLOS SYNDROME, TYPE VIA; EHLERS-DANLOS SYNDROME, OCULAR-SCOLIOTIC TYPE; Ehlers-Danlos syndrome, hydroxylysine-deficient. Identifiers: Orphanet 1900, MedGen C0268342, MONDO:0016002, OMIM 225400. Disease mechanism: loss of function.

gnomAD v4.1: 1 of 1,613,882 alleles (0.000062%); highest among the groups gnomAD compares: East Asian, 0.0022%; no homozygotes.

Submission:

Pittsburgh Clinical Genomics Laboratory, University of Pittsburgh Medical Center
Classification: Uncertain significance for Ehlers-Danlos syndrome, kyphoscoliotic type 1. Last evaluated: 2024-05-02. Review status: criteria provided, single submitter. Criteria: ACMG Guidelines, 2015. Collection method: clinical testing. Allele origin: germline. Inheritance: Autosomal recessive inheritance. Affected: yes.
Comment: This sequence variant is a single nucleotide substitution (A>G) at position 2054 of the coding sequence of the PLOD1 gene that results in a tyrosine to cysteine amino acid change at residue 685 of the procollagen-lysine,2-oxoglutarate 5-dioxygenase 1 protein. This variant is absent from ClinVar and has not been observed in individuals affected by a PLOD1-related disorder in the published literature, to our knowledge. This variant is present in 1 of 152256 alleles (0.0007%) in the gnomAD v4.0.0 population dataset. Multiple bioinformatic tools predict that this amino acid change would be damaging, and the Tyr685 residue at this position is highly conserved across the vertebrate species examined. Studies examining the functional consequence of this variant have not been published, to our knowledge. At this time, there is insufficient evidence to determine if this variant is pathogenic or benign. Therefore, we consider this a variant of uncertain significance. ACMG Criteria: PM2, PM3, PP3